The following is an entry in ClinVar:

NM_032578.4(MYPN):c.1522G>A (p.Glu508Lys)

Gene: MYPN (myopalladin; plus strand). Cytogenetic location: 10q21.3.
Variant type: single nucleotide variant.
Coding change: c.1522G>A on transcript NM_032578.4 (MANE Select); coding-DNA position 1522, G replaced by A.
Protein change: p.Glu508Lys; replaces glutamic acid 508 with lysine.
Molecular consequence: missense variant. On other transcripts: non-coding transcript variant (2).
Genome position (GRCh38, 1-based): chr10:68,165,740, G>A. VCF-style: chr10-68165740-G-A. GRCh37 (hg19) VCF-style: chr10-69925497-G-A.
Other names: c.1522G>A, p.Glu508Lys (NM_001256267.2); c.640G>A, p.Glu214Lys (NM_001256268.2); short protein forms E214K, E508K.
Identifiers: ClinVar variation 1774460 (VCV001774460.2), dbSNP rs2495729118, ClinGen allele CA376837894.
Genomic context (GRCh38, chr10:68,165,740, plus strand): 5'-ATTCTGTTTCACTGGCATATAGAGGAGATTTGCACCTTGGTCATTGCTGAGGTGTTTGCA[G>A]AAGATTCTGGGTGCTTCACATGTACTGCAAGCAACAAATACGGCACAGTGTCAAGCATTG-3'
Protein context (NP_115967.2, residues 498-518): CTLVIAEVFA[Glu508Lys]DSGCFTCTAS

ClinVar aggregate classification (germline): Uncertain significance (1 of 4 stars; one submission).

Conditions:
Cardiovascular phenotype. Identifiers: MedGen CN230736.

Submission:

Ambry Genetics
Classification: Uncertain significance for Cardiovascular phenotype. Last evaluated: 2021-08-02. Review status: criteria provided, single submitter. Criteria: Ambry Variant Classification Scheme 2023. Collection method: clinical testing. Allele origin: germline.
Comment: The p.E508K variant (also known as c.1522G>A), located in coding exon 8 of the MYPN gene, results from a G to A substitution at nucleotide position 1522. The glutamic acid at codon 508 is replaced by lysine, an amino acid with similar properties. This amino acid position is conserved. In addition, this alteration is predicted to be deleterious by in silico analysis. Since supporting evidence is limited at this time, the clinical significance of this alteration remains unclear.